The following is an entry in ClinVar:

ClinVar aggregate classification (germline): Uncertain significance (1 of 4 stars; one submission).

Submission:

Women's Health and Genetics/Laboratory Corporation of America, LabCorp
Classification: Uncertain significance. Last evaluated: 2024-08-22. Review status: criteria provided, single submitter. Criteria: LabCorp Variant Classification Summary - May 2015. Collection method: clinical testing. Allele origin: germline.
Comment: Variant summary: ACAN c.5900C>T (p.Ala1967Val) results in a non-conservative amino acid change in the encoded protein sequence. Four of five in-silico tools predict a benign effect of the variant on protein function. The variant was absent in 248924 control chromosomes. The available data on variant occurrences in the general population are insufficient to allow any conclusion about variant significance. To our knowledge, no occurrence of c.5900C>T in individuals affected with ACAN-Related Disorders and no experimental evidence demonstrating its impact on protein function have been reported. No submitters have cited clinical-significance assessments for this variant to ClinVar. Based on the evidence outlined above, the variant was classified as uncertain significance.

NM_001369268.1(ACAN):c.5900C>T (p.Ala1967Val)

Gene: ACAN (aggrecan; plus strand). Cytogenetic location: 15q26.1.
Variant type: single nucleotide variant.
Coding change: c.5900C>T on transcript NM_001369268.1 (MANE Select); coding-DNA position 5900, C replaced by T.
Protein change: p.Ala1967Val; replaces alanine 1967 with valine.
Molecular consequence: missense variant.
Genome position (GRCh38, 1-based): chr15:88,858,485, C>T. VCF-style: chr15-88858485-C-T. GRCh37 (hg19) VCF-style: chr15-89401716-C-T.
Other names: c.5900C>T, p.Ala1967Val (NM_001135.4, NM_001411096.1, NM_001411097.1 and 1 more transcripts); short protein forms A1967V.
Identifiers: ClinVar variation 3366669 (VCV003366669.1).